The following is an entry in ClinVar:

NM_013451.4(MYOF):c.4311A>G (p.Pro1437=)

Gene: MYOF (myoferlin; minus strand). Cytogenetic location: 10q23.33.
Variant type: single nucleotide variant.
Coding change: c.4311A>G on transcript NM_013451.4 (MANE Select); coding-DNA position 4311, A replaced by G.
Protein change: p.Pro1437=; no amino-acid change (proline 1437 retained).
Molecular consequence: synonymous variant.
Genome position (GRCh38, 1-based): chr10:93,343,871, T>C on the plus strand (A>G on the coding strand, the complement: MYOF is on the minus strand). VCF-style: chr10-93343871-T-C. GRCh37 (hg19) VCF-style: chr10-95103628-T-C.
Other names: c.4272A>G, p.Pro1424= (NM_133337.3).
Identifiers: ClinVar variation 2640688 (VCV002640688.24), dbSNP rs746524199, ClinGen allele CA5607141.

ClinVar aggregate classification (germline): Likely benign (1 of 4 stars; one submission).

Allele frequency attached by ClinVar (database versions not stated): gnomAD exomes below 0.00001; ExAC 0.00001.
gnomAD v4.1: 2 of 1,614,158 alleles (0.00012%); highest among the groups gnomAD compares: South Asian, 0.0011%; no homozygotes.

Submission:

CeGaT Center for Human Genetics Tuebingen
Classification: Likely benign. Last evaluated: 2022-06-01. Review status: criteria provided, single submitter. Criteria: CeGaT Center For Human Genetics Tuebingen Variant Classification Criteria Version 2. Collection method: clinical testing. Allele origin: germline. Affected: yes. Observed: 1 variant allele.
Comment: MYOF: BP4, BP7